The following is an entry in ClinVar:

NM_031935.3(HMCN1):c.6480+5G>C

Gene: HMCN1 (hemicentin 1; plus strand). Cytogenetic location: 1q31.1.
Variant type: single nucleotide variant.
Coding change: c.6480+5G>C on transcript NM_031935.3 (MANE Select); 5 bases into the intron after coding-DNA position 6480, G replaced by C.
Molecular consequence: intron variant.
Genome position (GRCh38, 1-based): chr1:186,045,868, G>C. VCF-style: chr1-186045868-G-C. GRCh37 (hg19) VCF-style: chr1-186015000-G-C.
Identifiers: ClinVar variation 4694605 (VCV004694605.1).
Genomic context (GRCh38, chr1:186,045,868, plus strand): 5'-ACCCCTTGCTGAAGAAACCAGGCCTCAGTATATCTGAAAATAGAAGTGTGTTAAAGGTAA[G>C]GATATGGATTCATTTATTTTACCTTATGTTATTAGAAGTTCATGGTTTTGGTATTACCCT-3'

ClinVar aggregate classification (germline): Uncertain significance (1 of 4 stars; one submission).

Submission:

Labcorp Genetics (formerly Invitae), Labcorp
Classification: Uncertain significance. Last evaluated: 2025-12-15. Review status: criteria provided, single submitter. Criteria: Invitae Variant Classification Sherloc (09022015). Collection method: clinical testing. Allele origin: germline.
Comment: This sequence change falls in intron 41 of the HMCN1 gene. It does not directly change the encoded amino acid sequence of the HMCN1 protein. It affects a nucleotide within the consensus splice site. This variant is not present in population databases (gnomAD no frequency). This variant has not been reported in the literature in individuals affected with HMCN1-related conditions. Variants that disrupt the consensus splice site are a relatively common cause of aberrant splicing (PMID: 17576681, 9536098). Algorithms developed to predict the effect of sequence changes on RNA splicing suggest that this variant is not likely to affect RNA splicing. In summary, the available evidence is currently insufficient to determine the role of this variant in disease. Therefore, it has been classified as a Variant of Uncertain Significance.

Literature cited by the submitters: PubMed 17576681; PubMed 9536098.